The following is an entry in ClinVar:

NM_005475.3(SH2B3):c.233A>T (p.Glu78Val)

Gene: SH2B3 (SH2B adaptor protein 3; plus strand). Cytogenetic location: 12q24.12.
Variant type: single nucleotide variant.
Coding change: c.233A>T on transcript NM_005475.3 (MANE Select); coding-DNA position 233, A replaced by T.
Protein change: p.Glu78Val; replaces glutamic acid 78 with valine.
Molecular consequence: missense variant.
Genome position (GRCh38, 1-based): chr12:111,418,378, A>T. VCF-style: chr12-111418378-A-T. GRCh37 (hg19) VCF-style: chr12-111856182-A-T.
Other names: short protein forms E78V.
Identifiers: ClinVar variation 4630711 (VCV004630711.1).

ClinVar aggregate classification (germline): Uncertain significance (1 of 4 stars; one submission).

Conditions:
Inborn genetic diseases. Identifiers: MedGen C0950123, MeSH D030342.

Submission:

Ambry Genetics
Classification: Uncertain significance for Inborn genetic diseases. Last evaluated: 2025-10-13. Review status: criteria provided, single submitter. Criteria: Ambry Variant Classification Scheme 2023. Collection method: clinical testing. Allele origin: germline.
Comment: The p.E78V variant (also known as c.233A>T), located in coding exon 1 of the SH2B3 gene, results from an A to T substitution at nucleotide position 233. The glutamic acid at codon 78 is replaced by valine, an amino acid with dissimilar properties. This amino acid position is conserved. In addition, this alteration is predicted to be tolerated by in silico analysis. Based on the available evidence, the clinical significance of this variant remains unclear.